The following is an entry in ClinVar:

ClinVar aggregate classification (germline): Likely benign. Review status: criteria provided, multiple submitters, no conflicts (2 of 4 stars). 4 submissions from 4 submitters: Likely benign (4). Last evaluated 2026-08-13.

Conditions:
FZD4-related disorder. Also called: FZD4-related condition.
Exudative vitreoretinopathy 1 (EVR1). Also called: CRISWICK-SCHEPENS SYNDROME; FEVR, AUTOSOMAL DOMINANT; Familial exudative vitreoretinopathy, autosomal dominant. Identifiers: Orphanet 891, Orphanet 90050, MedGen C1851402, MONDO:0007589, OMIM 133780.

Allele frequency attached by ClinVar (database versions not stated): TOPMed 0.00014; gnomAD 0.00016 and 0.00017; 1000 Genomes Project 0.00020; ESP Exome Variant Server 0.00024; gnomAD exomes 0.00025; 1000 Genomes Project 30x 0.00031; ExAC 0.00032.
gnomAD v4.1: 418 of 1,604,312 alleles (0.026%); highest among the groups gnomAD compares: Middle Eastern, 0.067%; no homozygotes.

Submissions (4):

PreventionGenetics, part of Exact Sciences
Classification: Likely benign for FZD4-related condition. Last evaluated: 2026-08-13. Review status: criteria provided, single submitter. Criteria: ACMG Guidelines, 2015. Collection method: clinical testing. Allele origin: germline.
Comment: This variant is classified as likely benign based on ACMG/AMP sequence variant interpretation guidelines (Richards et al. 2015 PMID: 25741868, with internal and published modifications).

Labcorp Genetics (formerly Invitae), Labcorp
Classification: Likely benign. Last evaluated: 2025-07-07. Review status: criteria provided, single submitter. Criteria: Invitae Variant Classification Sherloc (09022015). Collection method: clinical testing. Allele origin: germline.

Blueprint Genetics
Classification: Likely benign. Last evaluated: 2024-11-06. Review status: criteria provided, single submitter. Criteria: ACMG Guidelines, 2015. Collection method: clinical testing. Allele origin: germline.

Illumina Laboratory Services, Illumina
Classification: Likely benign for Exudative vitreoretinopathy 1. Last evaluated: 2017-04-27. Review status: criteria provided, single submitter. Criteria: ICSL Variant Classification Criteria 13 December 2019. Collection method: clinical testing. Allele origin: germline.
Comment: This variant was observed as part of a predisposition screen in an ostensibly healthy population. A literature search was performed for the gene, cDNA change, and amino acid change (where applicable). No publications were found based on this search. Allele frequency data from public databases allowed determination this variant is unlikely to cause disease. Therefore, this variant is classified as likely benign.

NM_012193.4(FZD4):c.48C>T (p.Gly16=)

Gene: FZD4 (frizzled class receptor 4; minus strand). Cytogenetic location: 11q14.2.
Variant type: single nucleotide variant.
Coding change: c.48C>T on transcript NM_012193.4 (MANE Select); coding-DNA position 48, C replaced by T.
Protein change: p.Gly16=; no amino-acid change (glycine 16 retained).
Molecular consequence: synonymous variant.
Genome position (GRCh38, 1-based): chr11:86,955,038, G>A on the plus strand (C>T on the coding strand, the complement: FZD4 is on the minus strand). VCF-style: chr11-86955038-G-A. GRCh37 (hg19) VCF-style: chr11-86666080-G-A.
Identifiers: ClinVar variation 306409 (VCV000306409.15), dbSNP rs373565387, ClinGen allele CA6218543.
Genomic context (GRCh38, chr11:86,955,038, plus strand): 5'-GCCCCGCGCCGGCCCCAGGAGCAGCAGCAACTGCAGGAGCAACCCCAGACTGAGACCGAC[G>A]CCCCCGGGCGCCCCCGGGACGCTCGGCCCTGCGCCCCGCCAGGCCATGGCCAGCATCGGG-3'
Protein context (NP_036325.2, residues 6-26): AGPSVPGAPG[Gly16=]VGLSLGLLLQ